The following is an entry in ClinVar:

ClinVar aggregate classification (germline): Uncertain significance (1 of 4 stars; one submission).

gnomAD v4.1: 11 of 1,610,256 alleles (0.00068%); highest among the groups gnomAD compares: Non-Finnish European, 0.00085%; no homozygotes.

Submission:

Labcorp Genetics (formerly Invitae), Labcorp
Classification: Uncertain significance. Last evaluated: 2025-09-25. Review status: criteria provided, single submitter. Criteria: Invitae Variant Classification Sherloc (09022015). Collection method: clinical testing. Allele origin: germline.
Comment: This sequence change replaces valine, which is neutral and non-polar, with leucine, which is neutral and non-polar, at codon 3831 of the VPS13D protein (p.Val3831Leu). This variant is present in population databases (no rsID available, gnomAD 0.0009%). This variant has not been reported in the literature in individuals affected with VPS13D-related conditions. Invitae Evidence Modeling of protein sequence and biophysical properties (such as structural, functional, and spatial information, amino acid conservation, physicochemical variation, residue mobility, and thermodynamic stability) indicates that this missense variant is not expected to disrupt VPS13D protein function with a negative predictive value of 80%. In summary, the available evidence is currently insufficient to determine the role of this variant in disease. Therefore, it has been classified as a Variant of Uncertain Significance.

NM_015378.4(VPS13D):c.11491G>C (p.Val3831Leu)

Gene: VPS13D (vacuolar protein sorting 13 homolog D; plus strand). Cytogenetic location: 1p36.22.
Variant type: single nucleotide variant.
Coding change: c.11491G>C on transcript NM_015378.4 (MANE Select); coding-DNA position 11491, G replaced by C.
Protein change: p.Val3831Leu; replaces valine 3831 with leucine.
Molecular consequence: missense variant.
Genome position (GRCh38, 1-based): chr1:12,386,191, G>C. VCF-style: chr1-12386191-G-C. GRCh37 (hg19) VCF-style: chr1-12446250-G-C.
Other names: c.11416G>C, p.Val3806Leu (NM_018156.4); short protein forms V3806L, V3831L.
Identifiers: ClinVar variation 4806295 (VCV004806295.1).
Genomic context (GRCh38, chr1:12,386,191, plus strand): 5'-TACTGTGAGCTGTGTTTAAAACAATCAGGGTGCCATATTTTGGTTTCCTTTCAGGTGCTT[G>C]TGAGGTTAGAAGGTGGAATTGGGTTGTCCTTAATTAATAAAGTCCCAGAAGAACTGGTCT-3'
Protein context (NP_056193.2, residues 3821-3841): PDTEQELEVL[Val3831Leu]RLEGGIGLSL